The following is an entry in ClinVar:

ClinVar aggregate classification (germline): Conflicting classifications of pathogenicity. Review status: criteria provided, conflicting classifications (1 of 4 stars). 3 submissions from 3 submitters: Uncertain significance (2); Likely benign (1). Last evaluated 2024-12-23.

Conditions:
Hereditary cancer-predisposing syndrome. Also called: Hereditary Cancer Syndrome; Hereditary neoplastic syndrome; Neoplastic Syndromes, Hereditary; Tumor predisposition. Identifiers: Orphanet 140162, MedGen C0027672, MeSH D009386, MONDO:0015356.
Hereditary breast ovarian cancer syndrome. Also called: Hereditary breast and ovarian cancer; BRCA1- and BRCA2-Associated Hereditary Breast and Ovarian Cancer; Hereditary breast and ovarian cancer syndrome (HBOC); Hereditary breast and ovarian cancer syndrome; Breast and ovarian cancer; Hereditary breast and/or ovarian cancer syndrome. Identifiers: Orphanet 145, MedGen C0677776, MeSH D061325, MONDO:0003582. Disease mechanism: loss of function.

Submissions (3):

Labcorp Genetics (formerly Invitae), Labcorp
Classification: Uncertain significance for Hereditary breast ovarian cancer syndrome. Last evaluated: 2024-12-23. Review status: criteria provided, single submitter. Criteria: Invitae Variant Classification Sherloc (09022015). Collection method: clinical testing. Allele origin: germline.
Comment: This sequence change replaces serine, which is neutral and polar, with cysteine, which is neutral and slightly polar, at codon 313 of the BRCA2 protein (p.Ser313Cys). This variant is not present in population databases (gnomAD no frequency). This variant has not been reported in the literature in individuals affected with BRCA2-related conditions. ClinVar contains an entry for this variant (Variation ID: 1766762). Invitae Evidence Modeling of protein sequence and biophysical properties (such as structural, functional, and spatial information, amino acid conservation, physicochemical variation, residue mobility, and thermodynamic stability) indicates that this missense variant is not expected to disrupt BRCA2 protein function with a negative predictive value of 95%. In summary, the available evidence is currently insufficient to determine the role of this variant in disease. Therefore, it has been classified as a Variant of Uncertain Significance.

University of Washington Department of Laboratory Medicine, University of Washington
Classification: Likely benign for Hereditary cancer-predisposing syndrome. Last evaluated: 2023-03-23. Review status: criteria provided, single submitter. Criteria: Dines et al. (Genet Med. 2020). Collection method: curation. Allele origin: germline.
Comment: Missense variant in a coldspot region where missense variants are very unlikely to be pathogenic (PMID:31911673).

BRCA2 exon 10 coldspot. Reclassification based on statistical prior probability.

Ambry Genetics
Classification: Uncertain significance for Hereditary cancer-predisposing syndrome. Last evaluated: 2021-04-26. Review status: criteria provided, single submitter. Criteria: Ambry Variant Classification Scheme 2023. Collection method: clinical testing. Allele origin: germline.
Comment: The p.S313C variant (also known as c.938C>G), located in coding exon 9 of the BRCA2 gene, results from a C to G substitution at nucleotide position 938. The serine at codon 313 is replaced by cysteine, an amino acid with dissimilar properties. This amino acid position is not well conserved in available vertebrate species. In addition, this alteration is predicted to be tolerated by in silico analysis. Since supporting evidence is limited at this time, the clinical significance of this alteration remains unclear.

NM_000059.4(BRCA2):c.938C>G (p.Ser313Cys)

Gene: BRCA2 (BRCA2 DNA repair associated; plus strand). Cytogenetic location: 13q13.1.
Variant type: single nucleotide variant.
Coding change: c.938C>G on transcript NM_000059.4 (MANE Select); coding-DNA position 938, C replaced by G.
Protein change: p.Ser313Cys; replaces serine 313 with cysteine.
Molecular consequence: missense variant.
Genome position (GRCh38, 1-based): chr13:32,332,416, C>G. VCF-style: chr13-32332416-C-G. GRCh37 (hg19) VCF-style: chr13-32906553-C-G.
Other names: c.938C>G, p.Ser313Cys (NM_001406719.1, NM_001406720.1, NM_001406721.1); short protein forms S313C.
Identifiers: ClinVar variation 1766762 (VCV001766762.6), dbSNP rs397507428, ClinGen allele CA387760800.